The following is an entry in ClinVar:

ClinVar aggregate classification (germline): Uncertain significance. Review status: criteria provided, multiple submitters, no conflicts (2 of 4 stars). 2 submissions from 2 submitters: Uncertain significance (2). Last evaluated 2025-03-04.

Conditions:
Hereditary cancer-predisposing syndrome. Also called: Hereditary Cancer Syndrome; Neoplastic Syndromes, Hereditary; Tumor predisposition; Hereditary neoplastic syndrome. Identifiers: Orphanet 140162, MedGen C0027672, MeSH D009386, MONDO:0015356.

Allele frequency attached by ClinVar (database versions not stated): gnomAD exomes below 0.00001.
gnomAD v4.1: 2 of 1,613,578 alleles (0.00012%); highest among the groups gnomAD compares: Non-Finnish European, 0.00017%; no homozygotes.

Submissions (2):

Center for Genomic Medicine, Rigshospitalet, Copenhagen University Hospital
Classification: Uncertain significance. Last evaluated: 2025-03-04. Review status: criteria provided, single submitter. Criteria: ACMG Guidelines, 2015. Collection method: clinical testing. Allele origin: germline.
Comment: Classification criteria: BP1

Color Diagnostics, LLC DBA Color Health
Classification: Uncertain significance for Hereditary cancer-predisposing syndrome. Last evaluated: 2023-12-05. Review status: criteria provided, single submitter. Criteria: ACMG Guidelines, 2015. Collection method: clinical testing. Allele origin: germline.
Comment: This missense variant replaces glutamine with lysine at codon 480 of the APC protein. Computational prediction suggests that this variant may not impact protein structure and function (internally defined REVEL score threshold <= 0.5, PMID: 27666373). To our knowledge, functional studies have not been reported for this variant. This variant has not been reported in individuals affected with APC-related disorders in the literature. This variant has been identified in 1/251136 chromosomes in the general population by the Genome Aggregation Database (gnomAD). The available evidence is insufficient to determine the role of this variant in disease conclusively. Therefore, this variant is classified as a Variant of Uncertain Significance.

NM_000038.6(APC):c.1438C>A (p.Gln480Lys)

Gene: APC (APC regulator of Wnt signaling pathway; plus strand). Cytogenetic location: 5q22.2.
Variant type: single nucleotide variant.
Coding change: c.1438C>A on transcript NM_000038.6 (MANE Select); coding-DNA position 1438, C replaced by A.
Protein change: p.Gln480Lys; replaces glutamine 480 with lysine.
Molecular consequence: missense variant.
Genome position (GRCh38, 1-based): chr5:112,827,137, C>A. VCF-style: chr5-112827137-C-A. GRCh37 (hg19) VCF-style: chr5-112162834-C-A.
Other names: c.1438C>A, p.Gln480Lys (NM_001127510.3, NM_001354895.2); c.1384C>A, p.Gln462Lys (NM_001127511.3); c.1492C>A, p.Gln498Lys (NM_001354896.2); c.1468C>A, p.Gln490Lys (NM_001354897.2); c.1363C>A, p.Gln455Lys (NM_001354898.2); c.1354C>A, p.Gln452Lys (NM_001354899.2); c.1315C>A, p.Gln439Lys (NM_001354900.2); c.1261C>A, p.Gln421Lys (NM_001354901.2); and 5 more; short protein forms Q462K, Q480K, Q320K, Q498K, Q197K, Q354K, Q379K, Q389K.
Identifiers: ClinVar variation 490203 (VCV000490203.7), dbSNP rs570514864, ClinGen allele CA16024452.
Genomic context (GRCh38, chr5:112,827,137, plus strand): 5'-TGTCTTTTTCCTCTTGCCCTTTTTAAATTAGGGGGACTACAGGCCATTGCAGAATTATTG[C>A]AAGTGGACTGTGAAATGTATGGGCTTACTAATGACCACTACAGTATTACACTAAGACGAT-3'
Protein context (NP_000029.2, residues 470-490): GGLQAIAELL[Gln480Lys]VDCEMYGLTN